The following is an entry in ClinVar:

ClinVar aggregate classification (germline): Pathogenic (1 of 4 stars; one submission).

Conditions:
Duchenne muscular dystrophy (DMD). Also called: MUSCULAR DYSTROPHY, PSEUDOHYPERTROPHIC PROGRESSIVE, DUCHENNE TYPE; Duchenne Muscular Dystrophy (DMD). Identifiers: Orphanet 98896, MedGen C0013264, MONDO:0010679, OMIM 310200.

Submission:

Labcorp Genetics (formerly Invitae), Labcorp
Classification: Pathogenic for Duchenne muscular dystrophy. Last evaluated: 2024-09-29. Review status: criteria provided, single submitter. Criteria: Invitae Variant Classification Sherloc (09022015). Collection method: clinical testing. Allele origin: germline.
Comment: This sequence change creates a premature translational stop signal (p.Lys602*) in the DMD gene. It is expected to result in an absent or disrupted protein product. Loss-of-function variants in DMD are known to be pathogenic (PMID: 16770791, 25007885). This variant is not present in population databases (gnomAD no frequency). This variant has not been reported in the literature in individuals affected with DMD-related conditions. Algorithms developed to predict the effect of sequence changes on RNA splicing suggest that this variant may disrupt the consensus splice site. For these reasons, this variant has been classified as Pathogenic.

Literature cited by the submitters: PubMed 16770791; PubMed 25007885.

NM_004006.3(DMD):c.1804A>T (p.Lys602Ter)

Gene: DMD (dystrophin; minus strand). Cytogenetic location: Xp21.1.
Variant type: single nucleotide variant.
Coding change: c.1804A>T on transcript NM_004006.3 (MANE Select); coding-DNA position 1804, A replaced by T.
Protein change: p.Lys602Ter; replaces lysine 602 with a stop codon.
Molecular consequence: nonsense.
Genome position (GRCh38, 1-based): chrX:32,573,538, T>A on the plus strand (A>T on the coding strand, the complement: DMD is on the minus strand). VCF-style: chrX-32573538-T-A. GRCh37 (hg19) VCF-style: chrX-32591655-T-A.
Other names: c.1780A>T, p.Lys594Ter (NM_000109.4); c.1792A>T, p.Lys598Ter (NM_004009.3); c.1435A>T, p.Lys479Ter (NM_004010.3); short protein forms K479*, K594*, K598*, K602*.
Identifiers: ClinVar variation 3611029 (VCV003611029.2).